The following is an entry in ClinVar:

ClinVar aggregate classification (germline): Likely pathogenic. Review status: criteria provided, multiple submitters, no conflicts (2 of 4 stars). 2 submissions from 2 submitters: Likely pathogenic (2). Last evaluated 2025-01-15.

Conditions:
RP1-related disorder. Also called: RP1-related condition.

Allele frequency attached by ClinVar (database versions not stated): TOPMed below 0.00001; gnomAD 0.00001.
gnomAD v4.1: 1 of 1,613,320 alleles (0.000062%); highest among the groups gnomAD compares: Non-Finnish European, 0.000085%; no homozygotes.

Submissions (2):

Labcorp Genetics (formerly Invitae), Labcorp
Classification: Likely pathogenic. Last evaluated: 2025-01-15. Review status: criteria provided, single submitter. Criteria: Invitae Variant Classification Sherloc (09022015). Collection method: clinical testing. Allele origin: germline.
Comment: This sequence change affects an acceptor splice site in intron 3 of the RP1 gene. While this variant is not anticipated to result in nonsense mediated decay, it likely alters RNA splicing and results in a disrupted protein product. This variant is not present in population databases (gnomAD no frequency). Disruption of this splice site has been observed in individuals with autosomal recessive retinitis pigmentosa (PMID: 30718709, 32531858, 33576794, 34588515). ClinVar contains an entry for this variant (Variation ID: 1950000). Variants that disrupt the consensus splice site are a relatively common cause of aberrant splicing (PMID: 17576681, 9536098). In summary, the currently available evidence indicates that the variant is pathogenic, but additional data are needed to prove that conclusively. Therefore, this variant has been classified as Likely Pathogenic.

Blueprint Genetics
Classification: Likely pathogenic for RP1-related disorders. Last evaluated: 2024-05-07. Review status: criteria provided, single submitter. Criteria: ACMG Guidelines, 2015. Collection method: clinical testing. Allele origin: germline. Affected: yes. Observed: 1 variant allele.

Literature cited by the submitters: PubMed 30718709 (cited by Labcorp Genetics (formerly Invitae), Labcorp); PubMed 32531858 (cited by Labcorp Genetics (formerly Invitae), Labcorp); PubMed 33576794 (cited by Labcorp Genetics (formerly Invitae), Labcorp); PubMed 34588515 (cited by Labcorp Genetics (formerly Invitae), Labcorp); PubMed 17576681 (cited by Labcorp Genetics (formerly Invitae), Labcorp); PubMed 9536098 (cited by Labcorp Genetics (formerly Invitae), Labcorp).

NM_006269.2(RP1):c.788-1G>A

Gene: RP1 (RP1 axonemal microtubule associated; plus strand). Cytogenetic location: 8q12.1.
Variant type: single nucleotide variant.
Coding change: c.788-1G>A on transcript NM_006269.2 (MANE Select); the canonical splice acceptor site of the intron before coding-DNA position 788, G replaced by A.
Molecular consequence: splice acceptor variant. On other transcripts: intron variant (1).
Genome position (GRCh38, 1-based): chr8:54,624,669, G>A. VCF-style: chr8-54624669-G-A. GRCh37 (hg19) VCF-style: chr8-55537229-G-A.
Other names: c.787+2381G>A (NM_001375654.1).
Identifiers: ClinVar variation 1950000 (VCV001950000.6), dbSNP rs1258594287, ClinGen allele CA370988576.
Genomic context (GRCh38, chr8:54,624,669, plus strand): 5'-CTTCTCTGCCTTCCATATTATATTTTGATGTGGGCACCTTTTACTCTTAAAATCTTTAAA[G>A]TAAGCACACATATGTCTTCAAGCTCAAGGTCCCAGATTTATTCTGTTTCTTCTGAGAAAA-3'